The following is an entry in ClinVar:

ClinVar aggregate classification (germline): Likely benign (1 of 4 stars; one submission).

Allele frequency attached by ClinVar (database versions not stated): TOPMed 0.00010; ESP Exome Variant Server 0.00016; gnomAD exomes 0.00025; gnomAD 0.00027; ExAC 0.00050; 1000 Genomes Project 0.00200; 1000 Genomes Project 30x 0.00219.
gnomAD v4.1: 417 of 1,612,396 alleles (0.026%); highest among the groups gnomAD compares: South Asian, 0.34%; 7 homozygotes.

Submission:

CeGaT Center for Human Genetics Tuebingen
Classification: Likely benign. Last evaluated: 2023-12-01. Review status: criteria provided, single submitter. Criteria: CeGaT Center For Human Genetics Tuebingen Variant Classification Criteria Version 2. Collection method: clinical testing. Allele origin: germline. Affected: yes. Observed: 1 variant allele.
Comment: DNHD1: BP4, BS2

NM_144666.3(DNHD1):c.13795G>A (p.Glu4599Lys)

Gene: DNHD1 (dynein heavy chain domain 1; plus strand). Cytogenetic location: 11p15.4.
Variant type: single nucleotide variant.
Coding change: c.13795G>A on transcript NM_144666.3 (MANE Select); coding-DNA position 13795, G replaced by A.
Protein change: p.Glu4599Lys; replaces glutamic acid 4599 with lysine.
Molecular consequence: missense variant.
Genome position (GRCh38, 1-based): chr11:6,571,307, G>A. VCF-style: chr11-6571307-G-A. GRCh37 (hg19) VCF-style: chr11-6592537-G-A.
Other names: short protein forms E4599K.
Identifiers: ClinVar variation 3025473 (VCV003025473.22), dbSNP rs369840664, ClinGen allele CA5857229.
Genomic context (GRCh38, chr11:6,571,307, plus strand): 5'-CGCGTCTTCCACCTGTCAGCCTTTCGCCACCCGCGCCGCCTGCTGCTGGCATTGCGTGGG[G>A]AAGCTGCCCTGGACCAGAATGTGCCCAGCTCGAATTTCCCTGGTAGCCGAGGCTCGGTCT-3'
Protein context (NP_653267.2, residues 4589-4609): PRRLLLALRG[Glu4599Lys]AALDQNVPSS